The following is an entry in ClinVar:

ClinVar aggregate classification (germline): Uncertain significance (1 of 4 stars; one submission).

Conditions:
Bardet-Biedl syndrome (BBS). Identifiers: Orphanet 110, MedGen C0752166, MONDO:0015229.

Submission:

Labcorp Genetics (formerly Invitae), Labcorp
Classification: Uncertain significance for Bardet-Biedl syndrome. Last evaluated: 2022-03-25. Review status: criteria provided, single submitter. Criteria: Invitae Variant Classification Sherloc (09022015). Collection method: clinical testing. Allele origin: germline.
Comment: In summary, the available evidence is currently insufficient to determine the role of this variant in disease. Therefore, it has been classified as a Variant of Uncertain Significance. Algorithms developed to predict the effect of missense changes on protein structure and function are either unavailable or do not agree on the potential impact of this missense change (SIFT: "Tolerated"; PolyPhen-2: "Possibly Damaging"; Align-GVGD: "Class C0"). This variant has not been reported in the literature in individuals affected with TTC8-related conditions. This variant is not present in population databases (gnomAD no frequency). This sequence change replaces aspartic acid, which is acidic and polar, with asparagine, which is neutral and polar, at codon 262 of the TTC8 protein (p.Asp262Asn).

NM_144596.4(TTC8):c.814G>A (p.Asp272Asn)

Gene: TTC8 (tetratricopeptide repeat domain 8; plus strand). Cytogenetic location: 14q31.3.
Variant type: single nucleotide variant.
Coding change: c.814G>A on transcript NM_144596.4 (MANE Select); coding-DNA position 814, G replaced by A.
Protein change: p.Asp272Asn; replaces aspartic acid 272 with asparagine.
Molecular consequence: missense variant. On other transcripts: non-coding transcript variant (1).
Genome position (GRCh38, 1-based): chr14:88,861,237, G>A. VCF-style: chr14-88861237-G-A. GRCh37 (hg19) VCF-style: chr14-89327581-G-A.
Other names: c.862G>A, p.Asp288Asn (NM_001288781.1); c.220G>A, p.Asp74Asn (NM_001288782.1); c.97G>A, p.Asp33Asn (NM_001288783.1); c.784G>A, p.Asp262Asn (NM_001366535.2, NM_198309.3); c.694G>A, p.Asp232Asn (NM_001366536.2, NM_198310.3); short protein forms D232N, D288N, D262N, D33N, D74N, D272N.
Identifiers: ClinVar variation 2087326 (VCV002087326.4), dbSNP rs2546212402, ClinGen allele CA390546607.